The following is an entry in ClinVar:

ClinVar aggregate classification (germline): Pathogenic. Review status: reviewed by expert panel (3 of 4 stars). 3 submissions from 3 submitters: Pathogenic (1). 2 of the submissions do not count toward it. Last evaluated 2016-04-22.

Conditions:
Hereditary cancer-predisposing syndrome. Also called: Neoplastic Syndromes, Hereditary; Tumor predisposition; Hereditary neoplastic syndrome; Hereditary Cancer Syndrome. Identifiers: Orphanet 140162, MedGen C0027672, MeSH D009386, MONDO:0015356.
Breast-ovarian cancer, familial, susceptibility to, 2 (BROVCA2). Also called: BRCA2 Hereditary Breast and Ovarian Cancer. Identifiers: Orphanet 145, MedGen C2675520, MONDO:0012933, OMIM 612555. Disease mechanism: loss of function.

Submissions (3):

Evidence-based Network for the Interpretation of Germline Mutant Alleles (ENIGMA)
Classification: Pathogenic for Breast-ovarian cancer, familial, susceptibility to, 2. Last evaluated: 2016-04-22. Review status: reviewed by expert panel. Criteria: ENIGMA BRCA1/2 Classification Criteria (2015). Collection method: curation. Allele origin: germline.
Comment: Variant allele predicted to encode a truncated non-functional protein.

Consortium of Investigators of Modifiers of BRCA1/2 (CIMBA), c/o University of Cambridge
Classification: Pathogenic for Breast-ovarian cancer, familial, susceptibility to, 2. Last evaluated: 2015-10-02. Review status: criteria provided, single submitter. Criteria: CIMBA Mutation Classification guidelines May 2016. Collection method: clinical testing. Allele origin: germline. Not counted in ClinVar's aggregate classification.

Ambry Genetics
Classification: Pathogenic for Hereditary cancer-predisposing syndrome. Last evaluated: 2015-07-18. Review status: criteria provided, single submitter. Criteria: Ambry Variant Classification Scheme 2023. Collection method: clinical testing. Allele origin: germline. Not counted in ClinVar's aggregate classification.
Comment: The c.906delC (also known as 1134delC) pathogenic mutation, located in coding exon 9 of the BRCA2 gene, results from a deletion of one nucleotide at nucleotide position 906, causing a translational frameshift with a predicted alternate stop codon. Since frameshifts are typically deleterious in nature, this alteration is interpreted as a disease-causing mutation (ACMG Recommendations for Standards for Interpretation and Reporting of Sequence Variations. Revision 2007. Genet Med. 2008;10:294).

Literature cited by the submitters: PubMed 21702907 (cited by Ambry Genetics).

NM_000059.4(BRCA2):c.906del (p.Ser303fs)

Gene: BRCA2 (BRCA2 DNA repair associated; plus strand). Cytogenetic location: 13q13.1.
Variant type: Deletion.
Coding change: c.906del on transcript NM_000059.4 (MANE Select); coding-DNA position 906, one base deleted (C; older notation c.906delC).
Protein change: p.Ser303fs; shifts the reading frame from serine 303.
Molecular consequence: frameshift variant.
Genome position (GRCh38, 1-based): chr13:32,332,384, C deleted; the last of 2 consecutive C bases (chr13:32,332,383-32,332,384); deleting either gives the same sequence. VCF-style (leftmost placement, unchanged base first): chr13-32332382-AC-A. GRCh37 (hg19) VCF-style: chr13-32906519-AC-A.
Other names: 1134delC; c.906delC (NM_000059.3).
Identifiers: ClinVar variation 52740 (VCV000052740.9), dbSNP rs397508033, ClinGen allele CA025958.